The following is an entry in ClinVar:

ClinVar aggregate classification (germline): Uncertain significance. Review status: criteria provided, multiple submitters, no conflicts (2 of 4 stars). 3 submissions from 3 submitters: Uncertain significance (3). Last evaluated 2025-05-23.

Conditions:
Opsismodysplasia (OPSMD). Also called: INPPL1-Related Opsismodysplasia. Identifiers: Orphanet 2746, MedGen C0432219, MONDO:0009785, OMIM 258480.

Submissions (3):

Revvity Omics, Revvity
Classification: Uncertain significance for Opsismodysplasia. Last evaluated: 2025-05-23. Review status: criteria provided, single submitter. Criteria: ACMG Guidelines, 2015. Collection method: clinical testing. Allele origin: germline.

Blueprint Genetics
Classification: Uncertain significance. Last evaluated: 2021-10-22. Review status: criteria provided, single submitter. Criteria: ACMG Guidelines, 2015. Collection method: clinical testing. Allele origin: germline.

Labcorp Genetics (formerly Invitae), Labcorp
Classification: Uncertain significance. Last evaluated: 2021-10-12. Review status: criteria provided, single submitter. Criteria: Invitae Variant Classification Sherloc (09022015). Collection method: clinical testing. Allele origin: germline.
Comment: This variant, c.3548_3550del, results in the deletion of 1 amino acid(s) of the INPPL1 protein (p.Glu1183del), but otherwise preserves the integrity of the reading frame. This variant is present in population databases (rs777012152, ExAC 0.009%). This variant has not been reported in the literature in individuals affected with INPPL1-related conditions. Experimental studies and prediction algorithms are not available or were not evaluated, and the functional significance of this variant is currently unknown. Algorithms developed to predict the effect of sequence changes on RNA splicing suggest that this variant may disrupt the consensus splice site. In summary, the available evidence is currently insufficient to determine the role of this variant in disease. Therefore, it has been classified as a Variant of Uncertain Significance.

NM_001567.4(INPPL1):c.3551_3552+1del

Gene: INPPL1 (inositol polyphosphate phosphatase like 1; plus strand). Cytogenetic location: 11q13.4.
Variant type: Microsatellite.
Coding change: c.3551_3552+1del on transcript NM_001567.4 (MANE Select); coding-DNA position 3551 through the canonical splice donor site of the intron after coding-DNA position 3552, 3 bases deleted (AGG; older notation c.3551_3552+1delAGG).
Molecular consequence: splice donor variant.
Genome position (GRCh38, 1-based): chr11:72,237,795-72,237,797, AGG deleted; deleting any 3 consecutive bases within chr11:72,237,791-72,237,797 gives the same sequence; the c. name uses the placement nearest the transcript's 3' end. VCF-style (leftmost placement, unchanged base first): chr11-72237790-AGAG-A. GRCh37 (hg19) VCF-style: chr11-71948834-AGAG-A.
Identifiers: ClinVar variation 1323118 (VCV001323118.7), dbSNP rs777012152, ClinGen allele CA6170667.
Genomic context (GRCh38, chr11:72,237,790, plus strand): 5'-TGGCCGGCCCCTCAGCTTCCCTCCACCCCGCATCCGGGAGAGCATCCAGGAAGACCTGGC[AGAG>A]GAGGTGTGTGGAGCAGGGTGGCTGTCTGTGTGTGCCTGAGTGTGCTTGCCCACAGACTGG-3'